The following is an entry in ClinVar:

ClinVar aggregate classification (germline): Uncertain significance (1 of 4 stars; one submission).

Conditions:
IFT74-related disorder. Also called: IFT74-related condition; IFT74-Related Disorders.

Submission:

PreventionGenetics, part of Exact Sciences
Classification: Uncertain significance for IFT74-related condition. Last evaluated: 2025-12-04. Review status: criteria provided, single submitter. Criteria: ACMG Guidelines, 2015. Collection method: clinical testing. Allele origin: germline.
Comment: The IFT74 c.972A>C variant is predicted to result in the amino acid substitution p.Arg324Ser. To our knowledge, this variant has not been reported in the literature or in a large population database (gnomAD), indicating this variant is rare. At this time, the clinical significance of this variant is uncertain due to the absence of conclusive functional and genetic evidence.

NM_025103.4(IFT74):c.972A>C (p.Arg324Ser)

Gene: IFT74 (intraflagellar transport 74; plus strand). Cytogenetic location: 9p21.2.
Variant type: single nucleotide variant.
Coding change: c.972A>C on transcript NM_025103.4 (MANE Select); coding-DNA position 972, A replaced by C.
Protein change: p.Arg324Ser; replaces arginine 324 with serine.
Molecular consequence: missense variant.
Genome position (GRCh38, 1-based): chr9:27,018,685, A>C. VCF-style: chr9-27018685-A-C. GRCh37 (hg19) VCF-style: chr9-27018683-A-C.
Other names: c.972A>C, p.Arg324Ser (NM_001099222.3, NM_001099223.3, NM_001099224.3 and 1 more transcripts); short protein forms R324S.
Identifiers: ClinVar variation 4992909 (VCV004992909.1).